The following is an entry in ClinVar:

NM_016203.4(PRKAG2):c.1591C>T (p.Arg531Trp)

Gene: PRKAG2 (protein kinase AMP-activated non-catalytic subunit gamma 2; minus strand). Cytogenetic location: 7q36.1.
Variant type: single nucleotide variant.
Coding change: c.1591C>T on transcript NM_016203.4 (MANE Select); coding-DNA position 1591, C replaced by T.
Protein change: p.Arg531Trp; replaces arginine 531 with tryptophan.
Molecular consequence: missense variant.
Genome position (GRCh38, 1-based): chr7:151,560,611, G>A on the plus strand (C>T on the coding strand, the complement: PRKAG2 is on the minus strand). VCF-style: chr7-151560611-G-A. GRCh37 (hg19) VCF-style: chr7-151257697-G-A.
Other names: c.1459C>T, p.Arg487Trp (NM_001040633.2); c.1216C>T, p.Arg406Trp (NM_001304527.2); c.868C>T, p.Arg290Trp (NM_001304531.2, NM_024429.2); c.1219C>T, p.Arg407Trp (NM_001363698.2); short protein forms R407W, R406W, R487W, R290W, R531W.
Identifiers: ClinVar variation 949886 (VCV000949886.9), dbSNP rs121908990, ClinGen allele CA055542.
Genomic context (GRCh38, chr7:151,560,611, plus strand): 5'-GAATGTCCGACAGGGAAATAATACCCACAATACTATCTGCTTCATTTACCACCACCAGCC[G>A]ATGGACCTGCAAAGAGAAAAGCAGGACACGTGAAAATTAACATTTAAAAAAGGTTTAAAA-3'
Protein context (NP_057287.2, residues 521-541): VDRIVRAEVH[Arg531Trp]LVVVNEADSI

ClinVar aggregate classification (germline): Likely pathogenic (1 of 4 stars; one submission).

Conditions:
Lethal congenital glycogen storage disease of heart. Also called: GLYCOGEN STORAGE DISEASE OF HEART; PHOSPHORYLASE KINASE DEFICIENCY OF HEART. Identifiers: Orphanet 439854, MedGen C1849813, MONDO:0009867, OMIM 261740.

Allele frequency attached by ClinVar (database versions not stated): gnomAD exomes below 0.00001; ExAC 0.00001.
gnomAD v4.1: 2 of 1,614,040 alleles (0.00012%); highest among the groups gnomAD compares: Middle Eastern, 0.016%; no homozygotes.

Submission:

Labcorp Genetics (formerly Invitae), Labcorp
Classification: Likely pathogenic for Lethal congenital glycogen storage disease of heart. Last evaluated: 2022-11-29. Review status: criteria provided, single submitter. Criteria: Invitae Variant Classification Sherloc (09022015). Collection method: clinical testing. Allele origin: germline.
Comment: Advanced modeling of protein sequence and biophysical properties (such as structural, functional, and spatial information, amino acid conservation, physicochemical variation, residue mobility, and thermodynamic stability) performed at Invitae indicates that this missense variant is expected to disrupt PRKAG2 protein function. ClinVar contains an entry for this variant (Variation ID: 949886). This variant has not been reported in the literature in individuals affected with PRKAG2-related conditions. This variant is present in population databases (rs121908990, gnomAD 0.0009%). This sequence change replaces arginine, which is basic and polar, with tryptophan, which is neutral and slightly polar, at codon 531 of the PRKAG2 protein (p.Arg531Trp). In summary, the currently available evidence indicates that the variant is pathogenic, but additional data are needed to prove that conclusively. Therefore, this variant has been classified as Likely Pathogenic. This variant disrupts the p.Arg531 amino acid residue in PRKAG2. Other variant(s) that disrupt this residue have been determined to be pathogenic (PMID: 15877279, 25611685). This suggests that this residue is clinically significant, and that variants that disrupt this residue are likely to be disease-causing.

Literature cited by the submitters: PubMed 15877279; PubMed 25611685.